The following is an entry in ClinVar:

NM_005619.5(RTN2):c.440T>C (p.Leu147Pro)

Genes: RTN2 (reticulon 2; minus strand), OPA3-RTN2 (OPA3-RTN2 readthrough; minus strand). Cytogenetic location: 19q13.32.
Variant type: single nucleotide variant.
Coding change: c.440T>C on transcript NM_005619.5 (MANE Select); coding-DNA position 440, T replaced by C.
Protein change: p.Leu147Pro; replaces leucine 147 with proline.
Molecular consequence: missense variant.
Genome position (GRCh38, 1-based): chr19:45,494,645, A>G on the plus strand (T>C on the coding strand, the complement: RTN2 is on the minus strand). VCF-style: chr19-45494645-A-G. GRCh37 (hg19) VCF-style: chr19-45997903-A-G.
Other names: c.440T>C, p.Leu147Pro (NM_206900.3); short protein forms L147P.
Identifiers: ClinVar variation 1021191 (VCV001021191.8), dbSNP rs1968232374, ClinGen allele CA406361853.

ClinVar aggregate classification (germline): Uncertain significance (1 of 4 stars; one submission).

Conditions:
Spastic paraplegia. Identifiers: MedGen C0037772, HP:0001258.

Submission:

Labcorp Genetics (formerly Invitae), Labcorp
Classification: Uncertain significance for Spastic paraplegia. Last evaluated: 2020-08-01. Review status: criteria provided, single submitter. Criteria: Invitae Variant Classification Sherloc (09022015). Collection method: clinical testing. Allele origin: germline.
Comment: Algorithms developed to predict the effect of missense changes on protein structure and function are either unavailable or do not agree on the potential impact of this missense change (SIFT: "Deleterious"; PolyPhen-2: "Probably Damaging"; Align-GVGD: "Class C0"). In summary, the available evidence is currently insufficient to determine the role of this variant in disease. Therefore, it has been classified as a Variant of Uncertain Significance. This variant is not present in population databases (ExAC no frequency). This variant has not been reported in the literature in individuals with RTN2-related conditions. This sequence change replaces leucine with proline at codon 147 of the RTN2 protein (p.Leu147Pro). The leucine residue is weakly conserved and there is a moderate physicochemical difference between leucine and proline.